The following is an entry in ClinVar:

NM_001194998.2(CEP152):c.1330C>T (p.Gln444Ter)

Gene: CEP152 (centrosomal protein 152; minus strand). Cytogenetic location: 15q21.1.
Variant type: single nucleotide variant.
Coding change: c.1330C>T on transcript NM_001194998.2 (MANE Select); coding-DNA position 1330, C replaced by T.
Protein change: p.Gln444Ter; replaces glutamine 444 with a stop codon.
Molecular consequence: nonsense.
Genome position (GRCh38, 1-based): chr15:48,782,222, G>A on the plus strand (C>T on the coding strand, the complement: CEP152 is on the minus strand). VCF-style: chr15-48782222-G-A. GRCh37 (hg19) VCF-style: chr15-49074419-G-A.
Other names: c.1330C>T, p.Gln444Ter (NM_014985.4); short protein forms Q444*.
Identifiers: ClinVar variation 3006943 (VCV003006943.3), dbSNP rs201577437, ClinGen allele CA7548866.

ClinVar aggregate classification (germline): Pathogenic (1 of 4 stars; one submission).

Allele frequency attached by ClinVar (database versions not stated): ExAC 0.00001.
gnomAD v4.1: 3 of 1,613,736 alleles (0.00019%); highest among the groups gnomAD compares: Admixed American, 0.005%; no homozygotes.

Submission:

Labcorp Genetics (formerly Invitae), Labcorp
Classification: Pathogenic. Last evaluated: 2024-01-02. Review status: criteria provided, single submitter. Criteria: Invitae Variant Classification Sherloc (09022015). Collection method: clinical testing. Allele origin: germline.
Comment: This sequence change creates a premature translational stop signal (p.Gln444*) in the CEP152 gene. It is expected to result in an absent or disrupted protein product. Loss-of-function variants in CEP152 are known to be pathogenic (PMID: 21131973). This variant is present in population databases (rs201577437, gnomAD 0.01%). This variant has not been reported in the literature in individuals affected with CEP152-related conditions. For these reasons, this variant has been classified as Pathogenic.

Literature cited by the submitters: PubMed 21131973.